The following is an entry in ClinVar:

NM_000083.3(CLCN1):c.2172+3G>A

Gene: CLCN1 (chloride voltage-gated channel 1; plus strand). Cytogenetic location: 7q34.
Variant type: single nucleotide variant.
Coding change: c.2172+3G>A on transcript NM_000083.3 (MANE Select); 3 bases into the intron after coding-DNA position 2172, G replaced by A.
Molecular consequence: intron variant.
Genome position (GRCh38, 1-based): chr7:143,345,765, G>A. VCF-style: chr7-143345765-G-A. GRCh37 (hg19) VCF-style: chr7-143042858-G-A.
Identifiers: ClinVar variation 654816 (VCV000654816.10), dbSNP rs758964825, ClinGen allele CA4537561.

ClinVar aggregate classification (germline): Uncertain significance. Review status: criteria provided, multiple submitters, no conflicts (2 of 4 stars). 3 submissions from 3 submitters: Uncertain significance (3). Last evaluated 2025-12-22.

Conditions:
Congenital myotonia, autosomal dominant form (THD). Also called: THOMSEN DISEASE; Myotonia congenita autosomal dominant. Identifiers: Orphanet 614, MedGen C2936781, MONDO:0008055, OMIM 160800.
Congenital myotonia, autosomal recessive form. Also called: BECKER DISEASE; Becker Generalized Myotonia; myotonia congenita, autosomal recessive. Identifiers: Orphanet 614, MedGen C0751360, MONDO:0009715, OMIM 255700.

Allele frequency attached by ClinVar (database versions not stated): ExAC 0.00005; 1000 Genomes Project 30x 0.00016; gnomAD 0.00017 and 0.00019; TOPMed 0.00026; gnomAD exomes 0.00002 and 0.00003.
gnomAD v4.1: 51 of 1,607,478 alleles (0.0032%); highest among the groups gnomAD compares: African/African-American, 0.06%; no homozygotes.

Submissions (3):

Labcorp Genetics (formerly Invitae), Labcorp
Classification: Uncertain significance for Congenital myotonia, autosomal recessive form; Congenital myotonia, autosomal dominant form. Last evaluated: 2025-12-22. Review status: criteria provided, single submitter. Criteria: Invitae Variant Classification Sherloc (09022015). Collection method: clinical testing. Allele origin: germline.
Comment: This sequence change falls in intron 17 of the CLCN1 gene. It does not directly change the encoded amino acid sequence of the CLCN1 protein. It affects a nucleotide within the consensus splice site. This variant is present in population databases (rs758964825, gnomAD 0.07%). This variant has not been reported in the literature in individuals affected with CLCN1-related conditions. ClinVar contains an entry for this variant (Variation ID: 654816). Variants that disrupt the consensus splice site are a relatively common cause of aberrant splicing (PMID: 17576681, 9536098). Algorithms developed to predict the effect of sequence changes on RNA splicing suggest that this variant is not likely to affect RNA splicing. In summary, the available evidence is currently insufficient to determine the role of this variant in disease. Therefore, it has been classified as a Variant of Uncertain Significance.

Revvity Omics, Revvity
Classification: Uncertain significance. Last evaluated: 2025-06-16. Review status: criteria provided, single submitter. Criteria: ACMG Guidelines, 2015. Collection method: clinical testing. Allele origin: germline.

Women's Health and Genetics/Laboratory Corporation of America, LabCorp
Classification: Uncertain significance. Last evaluated: 2024-05-26. Review status: criteria provided, single submitter. Criteria: LabCorp Variant Classification Summary - May 2015. Collection method: clinical testing. Allele origin: germline.

Literature cited by the submitters: PubMed 17576681 (cited by Labcorp Genetics (formerly Invitae), Labcorp); PubMed 9536098 (cited by Labcorp Genetics (formerly Invitae), Labcorp).